The following is an entry in ClinVar:

NM_006231.4(POLE):c.1439C>T (p.Ala480Val)

Gene: POLE (DNA polymerase epsilon, catalytic subunit; minus strand). Cytogenetic location: 12q24.33.
Variant type: single nucleotide variant.
Coding change: c.1439C>T on transcript NM_006231.4 (MANE Select); coding-DNA position 1439, C replaced by T.
Protein change: p.Ala480Val; replaces alanine 480 with valine.
Molecular consequence: missense variant.
Genome position (GRCh38, 1-based): chr12:132,673,198, G>A on the plus strand (C>T on the coding strand, the complement: POLE is on the minus strand). VCF-style: chr12-132673198-G-A. GRCh37 (hg19) VCF-style: chr12-133249784-G-A.
Other names: short protein forms A480V.
Identifiers: ClinVar variation 484443 (VCV000484443.18), dbSNP rs951851739, ClinGen allele CA246294103.
Genomic context (GRCh38, chr12:132,673,198, plus strand): 5'-GTGCCGACAGGACAGATAATGCTCACCTCGTCGGGCTCCATGGGAATAATGGTGCACAGA[G>A]CAAAGATGAATGGGTGGACGTACTTCATGTACAGGTAGTAAGTGGCGACAGCATCTGACA-3'
Protein context (NP_006222.2, residues 470-490): YMKYVHPFIF[Ala480Val]LCTIIPMEPD

ClinVar aggregate classification (germline): Uncertain significance. Review status: criteria provided, multiple submitters, no conflicts (2 of 4 stars). 3 submissions from 3 submitters: Uncertain significance (3). Last evaluated 2026-01-20.

Conditions:
Colorectal cancer, susceptibility to, 12 (CRCS12). Also called: COLORECTAL CANCER, SUSCEPTIBILITY TO, ON CHROMOSOME 12q24. Identifiers: Orphanet 220460, MedGen C3554460, MONDO:0014038, OMIM 615083.
Hereditary cancer-predisposing syndrome. Also called: Tumor predisposition; Hereditary Cancer Syndrome; Neoplastic Syndromes, Hereditary; Hereditary neoplastic syndrome. Identifiers: Orphanet 140162, MedGen C0027672, MeSH D009386, MONDO:0015356.

Allele frequency attached by ClinVar (database versions not stated): gnomAD exomes below 0.00001.
gnomAD v4.1: 1 of 1,613,132 alleles (0.000062%); highest among the groups gnomAD compares: Non-Finnish European, 0.000085%; no homozygotes.

Submissions (3):

Labcorp Genetics (formerly Invitae), Labcorp
Classification: Uncertain significance. Last evaluated: 2026-01-20. Review status: criteria provided, single submitter. Criteria: Invitae Variant Classification Sherloc (09022015). Collection method: clinical testing. Allele origin: germline.
Comment: This sequence change replaces alanine, which is neutral and non-polar, with valine, which is neutral and non-polar, at codon 480 of the POLE protein (p.Ala480Val). This variant is not present in population databases (gnomAD no frequency). This variant has not been reported in the literature in individuals affected with POLE-related conditions. ClinVar contains an entry for this variant (Variation ID: 484443). Invitae Evidence Modeling of protein sequence and biophysical properties (such as structural, functional, and spatial information, amino acid conservation, physicochemical variation, residue mobility, and thermodynamic stability) indicates that this missense variant is expected to disrupt POLE protein function with a positive predictive value of 80%. In summary, the available evidence is currently insufficient to determine the role of this variant in disease. Therefore, it has been classified as a Variant of Uncertain Significance.

Ambry Genetics
Classification: Uncertain significance for Hereditary cancer-predisposing syndrome. Last evaluated: 2026-01-07. Review status: criteria provided, single submitter. Criteria: Ambry Variant Classification Scheme 2023. Collection method: clinical testing. Allele origin: germline.
Comment: The p.A480V variant (also known as c.1439C>T), located in coding exon 14 of the POLE gene, results from a C to T substitution at nucleotide position 1439. The alanine at codon 480 is replaced by valine, an amino acid with similar properties. This amino acid position is highly conserved in available vertebrate species. In addition, the in silico prediction for this alteration is inconclusive. Based on the available evidence, the clinical significance of this variant remains unclear.

Baylor Genetics
Classification: Uncertain significance for Colorectal cancer, susceptibility to, 12. Last evaluated: 2024-02-29. Review status: criteria provided, single submitter. Criteria: ACMG Guidelines, 2015. Collection method: clinical testing. Allele origin: unknown.

Literature cited by the submitters: PubMed 25124163 (cited by Ambry Genetics).